The following is an entry in ClinVar:

NM_000019.4(ACAT1):c.76dup (p.Ile26fs)

Gene: ACAT1 (acetyl-CoA acetyltransferase 1; plus strand). Cytogenetic location: 11q22.3.
Variant type: Duplication.
Coding change: c.76dup on transcript NM_000019.4 (MANE Select); coding-DNA position 76, one base duplicated (A; older notation c.76dupA).
Protein change: p.Ile26fs; shifts the reading frame from isoleucine 26.
Molecular consequence: frameshift variant. On other transcripts: 5 prime UTR variant (10), non-coding transcript variant (2).
Genome position (GRCh38, 1-based): chr11:108,131,910, A duplicated; the last of 3 consecutive A bases (chr11:108,131,908-108,131,910); duplicating any one gives the same sequence. VCF-style (leftmost placement, unchanged base first): chr11-108131907-G-GA. GRCh37 (hg19) VCF-style: chr11-108002634-G-GA.
Other names: c.76dup, p.Ile26fs (NM_001386677.1, NM_001386678.1); c.-202dup (NM_001386679.1); c.-195dup (NM_001386681.1, NM_001386682.1, NM_001386685.1 and 6 more transcripts); short protein forms I26fs.
Identifiers: ClinVar variation 2826669 (VCV002826669.3), dbSNP rs2496570243, ClinGen allele CA2739270881.

ClinVar aggregate classification (germline): Pathogenic (1 of 4 stars; one submission).

Conditions:
Deficiency of acetyl-CoA acetyltransferase. Also called: Beta-ketothiolase deficiency; 3-KETOTHIOLASE DEFICIENCY; 3-OXOTHIOLASE DEFICIENCY; MITOCHONDRIAL ACETOACETYL-CoA THIOLASE DEFICIENCY. Identifiers: Orphanet 134, MedGen C1536500, MONDO:0008760, OMIM 203750. Disease mechanism: loss of function.

Submission:

Labcorp Genetics (formerly Invitae), Labcorp
Classification: Pathogenic for Deficiency of acetyl-CoA acetyltransferase. Last evaluated: 2023-01-06. Review status: criteria provided, single submitter. Criteria: Invitae Variant Classification Sherloc (09022015). Collection method: clinical testing. Allele origin: germline.
Comment: For these reasons, this variant has been classified as Pathogenic. This variant has not been reported in the literature in individuals affected with ACAT1-related conditions. This variant is not present in population databases (gnomAD no frequency). This sequence change creates a premature translational stop signal (p.Ile26Asnfs*41) in the ACAT1 gene. It is expected to result in an absent or disrupted protein product. Loss-of-function variants in ACAT1 are known to be pathogenic (PMID: 7749408).

Literature cited by the submitters: PubMed 7749408.